The following is an entry in ClinVar:

NM_000059.4(BRCA2):c.4107T>G (p.Ser1369=)

Gene: BRCA2 (BRCA2 DNA repair associated; plus strand). Cytogenetic location: 13q13.1.
Variant type: single nucleotide variant.
Coding change: c.4107T>G on transcript NM_000059.4 (MANE Select); coding-DNA position 4107, T replaced by G.
Protein change: p.Ser1369=; no amino-acid change (serine 1369 retained).
Molecular consequence: synonymous variant.
Genome position (GRCh38, 1-based): chr13:32,338,462, T>G. VCF-style: chr13-32338462-T-G. GRCh37 (hg19) VCF-style: chr13-32912599-T-G.
Identifiers: ClinVar variation 1049216 (VCV001049216.8), dbSNP rs2137502983, ClinGen allele CA483438222.
Genomic context (GRCh38, chr13:32,338,462, plus strand): 5'-TCATAAAGATGAAACGGACTTGCTATTTACTGATCAGCACAACATATGTCTTAAATTATC[T>G]GGCCAGTTTATGAAGGAGGGAAACACTCAGATTAAAGAAGATTTGTCAGATTTAACTTTT-3'
Protein context (NP_000050.3, residues 1359-1379): TDQHNICLKL[Ser1369=]GQFMKEGNTQ

ClinVar aggregate classification (germline): Likely benign. Review status: criteria provided, multiple submitters, no conflicts (2 of 4 stars). 3 submissions from 3 submitters: Likely benign (2). 1 of the submissions does not count toward it. Last evaluated 2022-09-25.

Conditions:
Hereditary cancer-predisposing syndrome. Also called: Tumor predisposition; Hereditary neoplastic syndrome; Hereditary Cancer Syndrome; Neoplastic Syndromes, Hereditary. Identifiers: Orphanet 140162, MedGen C0027672, MeSH D009386, MONDO:0015356.
Hereditary breast ovarian cancer syndrome. Also called: Hereditary breast and ovarian cancer syndrome; Hereditary breast and ovarian cancer; Hereditary breast and ovarian cancer syndrome (HBOC); BRCA1- and BRCA2-Associated Hereditary Breast and Ovarian Cancer; Hereditary breast and/or ovarian cancer syndrome; Breast and ovarian cancer. Identifiers: Orphanet 145, MedGen C0677776, MeSH D061325, MONDO:0003582. Disease mechanism: loss of function.

Submissions (3):

Ambry Genetics
Classification: Likely benign for Hereditary cancer-predisposing syndrome. Last evaluated: 2022-09-25. Review status: criteria provided, single submitter. Criteria: Ambry Variant Classification Scheme 2023. Collection method: clinical testing. Allele origin: germline.

Labcorp Genetics (formerly Invitae), Labcorp
Classification: Likely benign for Hereditary breast ovarian cancer syndrome. Last evaluated: 2022-08-20. Review status: criteria provided, single submitter. Criteria: Invitae Variant Classification Sherloc (09022015). Collection method: clinical testing. Allele origin: germline.

Department of Pathology and Laboratory Medicine, Sinai Health System
Classification: Uncertain significance. Review status: no assertion criteria provided. Collection method: clinical testing. Allele origin: unknown. Affected: yes. Study: The Canadian Open Genetics Repository (COGR). Not counted in ClinVar's aggregate classification.
Comment: The BRCA2 p.Ser1369= variant was not identified in the literature nor was it identified in the dbSNP, ClinVar, GeneInsight-COGR, Cosmic, LOVD 3.0, UMD-LSDB, BIC Database, ARUP Laboratories, or the ZhejiangUniversity databases. The variant was not identified in the following control databases: the 1000 Genomes Project, the NHLBI GO Exome Sequencing Project, the Exome Aggregation Consortium (August 8th 2016), or the Genome Aggregation Database (Feb 27, 2017). The p.Ser1369= variant is not expected to have clinical significance because it does not result in a change of amino acid and is not located in a known consensus splice site. The variant occurs outside of the splicing consensus sequence and 1 of 5 in silico or computational prediction software programs (SpliceSiteFinder, MaxEntScan, NNSPLICE, GeneSplicer, HumanSpliceFinder) predict a greater than 10% difference in splicing; this is not very predictive of pathogenicity. In summary, based on the above information the clinical significance of this variant cannot be determined with certainty at this time. This variant is classified as a variant of uncertain significance.